The following is an entry in ClinVar:

ClinVar aggregate classification (germline): Uncertain significance. Review status: criteria provided, multiple submitters, no conflicts (2 of 4 stars). 2 submissions from 2 submitters: Uncertain significance (2). Last evaluated 2026-03-02.

Conditions:
Inborn genetic diseases. Identifiers: MedGen C0950123, MeSH D030342.
Neuropathy, hereditary sensory and autonomic, type 1C. Also called: HSAN IC; HSN IC. Identifiers: Orphanet 36386, MedGen C3150896, MONDO:0013337, OMIM 613640.

Allele frequency attached by ClinVar (database versions not stated): gnomAD exomes below 0.00001 and 0.00002; ExAC 0.00001; gnomAD 0.00002; TOPMed 0.00002.
gnomAD v4.1: 30 of 1,613,944 alleles (0.0019%); highest among the groups gnomAD compares: South Asian, 0.0033%; no homozygotes.

Submissions (3):

Ambry Genetics
Classification: Uncertain significance for Inborn genetic diseases. Last evaluated: 2026-03-02. Review status: criteria provided, single submitter. Criteria: Ambry Variant Classification Scheme 2023. Collection method: clinical testing. Allele origin: germline.

Labcorp Genetics (formerly Invitae), Labcorp
Classification: Uncertain significance for Neuropathy, hereditary sensory and autonomic, type 1C. Last evaluated: 2019-07-15. Review status: criteria provided, single submitter. Criteria: Invitae Variant Classification Sherloc (09022015). Collection method: clinical testing. Allele origin: germline.
Comment: Algorithms developed to predict the effect of sequence changes on RNA splicing suggest that this variant may create or strengthen a splice site, but this prediction has not been confirmed by published transcriptional studies. Algorithms developed to predict the effect of missense changes on protein structure and function are either unavailable or do not agree on the potential impact of this missense change (SIFT: "Deleterious"; PolyPhen-2: "Possibly Damaging"; Align-GVGD: "Class C0"). This variant has not been reported in the literature in individuals with SPTLC2-related disease. This variant is present in population databases (rs755350573, ExAC 0.002%). This sequence change replaces arginine with glutamine at codon 484 of the SPTLC2 protein (p.Arg484Gln). The arginine residue is highly conserved and there is a small physicochemical difference between arginine and glutamine. In summary, the available evidence is currently insufficient to determine the role of this variant in disease. Therefore, it has been classified as a Variant of Uncertain Significance.

Dr. Peter K. Rogan Lab, Western University
No classification provided (evidence only). Condition: Melanoma. Review status: no classification provided. Collection method: in vitro. Allele origin: not applicable. Functional consequence: retained intron. Not counted in ClinVar's aggregate classification.

NM_004863.4(SPTLC2):c.1451G>A (p.Arg484Gln)

Gene: SPTLC2 (serine palmitoyltransferase long chain base subunit 2; minus strand). Cytogenetic location: 14q24.3.
Variant type: single nucleotide variant.
Coding change: c.1451G>A on transcript NM_004863.4 (MANE Select); coding-DNA position 1451, G replaced by A.
Protein change: p.Arg484Gln; replaces arginine 484 with glutamine.
Molecular consequence: missense variant.
Genome position (GRCh38, 1-based): chr14:77,518,156, C>T on the plus strand (G>A on the coding strand, the complement: SPTLC2 is on the minus strand). VCF-style: chr14-77518156-C-T. GRCh37 (hg19) VCF-style: chr14-77984499-C-T.
Other names: short protein forms R484Q.
Identifiers: ClinVar variation 639087 (VCV000639087.12), dbSNP rs755350573, ClinGen allele CA7289146.